The following is an entry in ClinVar:

NM_000463.3(UGT1A1):c.470G>A (p.Ser157Asn)

Genes: UGT1A (UDP glucuronosyltransferase family 1 member A complex locus; plus strand), UGT1A1 (UDP glucuronosyltransferase family 1 member A1; plus strand), UGT1A10 (UDP glucuronosyltransferase family 1 member A10; plus strand), UGT1A3 (UDP glucuronosyltransferase family 1 member A3; plus strand), UGT1A4 (UDP glucuronosyltransferase family 1 member A4; plus strand) and 5 more. Cytogenetic location: 2q37.1.
Variant type: single nucleotide variant.
Coding change: c.470G>A on transcript NM_000463.3 (MANE Select); coding-DNA position 470, G replaced by A.
Protein change: p.Ser157Asn; replaces serine 157 with asparagine.
Molecular consequence: missense variant. On other transcripts: intron variant (9).
Genome position (GRCh38, 1-based): chr2:233,760,757, G>A. VCF-style: chr2-233760757-G-A. GRCh37 (hg19) VCF-style: chr2-234669403-G-A.
Other names: c.856-6277G>A (NM_019076.5, NM_019075.4, NM_021027.3 and 1 more transcripts); c.61-6277G>A (NM_205862.3); c.862-6277G>A (NM_001072.4); c.868-6277G>A (NM_019078.2, NM_007120.3, NM_019093.4); short protein forms S157N.
Identifiers: ClinVar variation 4978991 (VCV004978991.1).

ClinVar aggregate classification (germline): Uncertain significance (1 of 4 stars; one submission).

Conditions:
UGT1A1-related disorder. Also called: UGT1A1-related condition; UGT1A1-related disorders.

gnomAD v4.1: 14 of 1,613,946 alleles (0.00087%); highest among the groups gnomAD compares: South Asian, 0.0011%; no homozygotes.

Submission:

PreventionGenetics, part of Exact Sciences
Classification: Uncertain significance for UGT1A1-related condition. Last evaluated: 2025-07-10. Review status: criteria provided, single submitter. Criteria: ACMG Guidelines, 2015. Collection method: clinical testing. Allele origin: germline.
Comment: The UGT1A1 c.470G>A variant is predicted to result in the amino acid substitution p.Ser157Asn. To our knowledge, this variant has not been reported in the literature or in a large population database (gnomAD), indicating this variant is rare. At this time, the clinical significance of this variant is uncertain due to the absence of conclusive functional and genetic evidence.